The following is an entry in ClinVar:

ClinVar aggregate classification (germline): Uncertain significance (0 of 4 stars; one submission).

Conditions:
CLCN2-related disorder. Also called: CLCN2-related disorders; CLCN2-related condition.

gnomAD v4.1: 13 of 1,613,038 alleles (0.00081%); highest among the groups gnomAD compares: African/African-American, 0.0053%; no homozygotes.

Submission:

PreventionGenetics, part of Exact Sciences
Classification: Uncertain significance for CLCN2-related condition. Last evaluated: 2024-06-12. Review status: no assertion criteria provided. Collection method: clinical testing. Allele origin: germline.
Comment: The CLCN2 c.2167G>A variant is predicted to result in the amino acid substitution p.Ala723Thr. To our knowledge, this variant has not been reported in the literature. This variant is reported in 0.0050% of alleles in individuals of East Asian descent in gnomAD. At this time, the clinical significance of this variant is uncertain due to the absence of conclusive functional and genetic evidence.

NM_004366.6(CLCN2):c.2167G>A (p.Ala723Thr)

Gene: CLCN2 (chloride voltage-gated channel 2; minus strand). Cytogenetic location: 3q27.1.
Variant type: single nucleotide variant.
Coding change: c.2167G>A on transcript NM_004366.6 (MANE Select); coding-DNA position 2167, G replaced by A.
Protein change: p.Ala723Thr; replaces alanine 723 with threonine.
Molecular consequence: missense variant.
Genome position (GRCh38, 1-based): chr3:184,352,787, C>T on the plus strand (G>A on the coding strand, the complement: CLCN2 is on the minus strand). VCF-style: chr3-184352787-C-T. GRCh37 (hg19) VCF-style: chr3-184070575-C-T.
Other names: c.2116G>A, p.Ala706Thr (NM_001171087.3); c.2035G>A, p.Ala679Thr (NM_001171088.3); c.2167G>A, p.Ala723Thr (NM_001171089.3); short protein forms A679T, A706T, A723T.
Identifiers: ClinVar variation 3351473 (VCV003351473.1).